The following is an entry in ClinVar:

NM_001042750.2(STAG2):c.1999C>T (p.Arg667Trp)

Gene: STAG2 (STAG2 cohesin complex component; plus strand). Cytogenetic location: Xq25.
Variant type: single nucleotide variant.
Coding change: c.1999C>T on transcript NM_001042750.2 (MANE Select); coding-DNA position 1999, C replaced by T.
Protein change: p.Arg667Trp; replaces arginine 667 with tryptophan.
Molecular consequence: missense variant.
Genome position (GRCh38, 1-based): chrX:124,064,025, C>T. VCF-style: chrX-124064025-C-T. GRCh37 (hg19) VCF-style: chrX-123197875-C-T.
Other names: c.1999C>T, p.Arg667Trp (NM_001042749.2, NM_001042751.2, NM_001282418.2 and 13 more transcripts); short protein forms R667W.
Identifiers: ClinVar variation 1320801 (VCV001320801.9), dbSNP rs776905490, ClinGen allele CA10508911.

ClinVar aggregate classification (germline): Uncertain significance. Review status: criteria provided, multiple submitters, no conflicts (2 of 4 stars). 2 submissions from 2 submitters: Uncertain significance (2). Last evaluated 2026-08-05.

Allele frequency attached by ClinVar (database versions not stated): gnomAD exomes 0.00001; ExAC 0.00001.
gnomAD v4.1: 11 of 1,208,129 alleles (0.00091%); highest among the groups gnomAD compares: East Asian, 0.003%; no homozygotes.

Submissions (2):

GeneDx
Classification: Uncertain significance. Last evaluated: 2026-08-05. Review status: criteria provided, single submitter. Criteria: GeneDx Variant Classification Process June 2021. Collection method: clinical testing. Allele origin: germline.
Comment: In silico analysis supports that this missense variant has a deleterious effect on protein structure/function; Has not been previously published as pathogenic or benign to our knowledge

Labcorp Genetics (formerly Invitae), Labcorp
Classification: Uncertain significance. Last evaluated: 2024-10-07. Review status: criteria provided, single submitter. Criteria: Invitae Variant Classification Sherloc (09022015). Collection method: clinical testing. Allele origin: germline.
Comment: This sequence change replaces arginine, which is basic and polar, with tryptophan, which is neutral and slightly polar, at codon 667 of the STAG2 protein (p.Arg667Trp). The frequency data for this variant in the population databases is considered unreliable, as metrics indicate poor data quality at this position in the gnomAD database. This variant has not been reported in the literature in individuals affected with STAG2-related conditions. ClinVar contains an entry for this variant (Variation ID: 1320801). Invitae Evidence Modeling of protein sequence and biophysical properties (such as structural, functional, and spatial information, amino acid conservation, physicochemical variation, residue mobility, and thermodynamic stability) indicates that this missense variant is not expected to disrupt STAG2 protein function with a negative predictive value of 80%. In summary, the available evidence is currently insufficient to determine the role of this variant in disease. Therefore, it has been classified as a Variant of Uncertain Significance.